The following is an entry in ClinVar:

ClinVar aggregate classification (germline): Uncertain significance (1 of 4 stars; one submission).

Submission:

Ambry Genetics
Classification: Uncertain significance. Last evaluated: 2024-09-24. Review status: criteria provided, single submitter. Criteria: Ambry Variant Classification Scheme 2023. Collection method: clinical testing. Allele origin: germline.
Comment: Does not currently meet published gene-disease clinical validity criteria Based on insufficient or conflicting evidence, the clinical significance of this alteration remains unclear.

Literature cited by the submitters: PubMed 28106320.

NM_016058.5(TPRKB):c.107G>A (p.Gly36Asp)

Gene: TPRKB (TP53RK binding protein; minus strand). Cytogenetic location: 2p13.1.
Variant type: single nucleotide variant.
Coding change: c.107G>A on transcript NM_016058.5 (MANE Select); coding-DNA position 107, G replaced by A.
Protein change: p.Gly36Asp; replaces glycine 36 with aspartic acid.
Molecular consequence: missense variant. On other transcripts: 5 prime UTR variant (1), intron variant (2).
Genome position (GRCh38, 1-based): chr2:73,734,463, C>T on the plus strand (G>A on the coding strand, the complement: TPRKB is on the minus strand). VCF-style: chr2-73734463-C-T. GRCh37 (hg19) VCF-style: chr2-73961590-C-T.
Other names: c.107G>A, p.Gly36Asp (NM_001330386.2, NM_001330387.2, NM_001330388.2 and 1 more transcripts); c.-69G>A (NM_001330390.2); c.42+65G>A (NM_001330391.2, NM_001330392.2); short protein forms G36D.
Identifiers: ClinVar variation 3460561 (VCV003460561.1).
Genomic context (GRCh38, chr2:73,734,463, plus strand): 5'-CATTCATTCTTAAAATTTATATTTACCACTGTAGGATTTATCAGTGATCCATCGATGGTG[C>T]CTTCCATGGCCTTTCTTCTCAAGTCTCCCGCATTTTTTACATCTTTAAATAACAGAAGGG-3'
Protein context (NP_057142.1, residues 26-46): AGDLRRKAME[Gly36Asp]TIDGSLINPT